The following is an entry in ClinVar:

NM_024649.5(BBS1):c.1244T>G (p.Val415Gly)

Genes: BBS1 (Bardet-Biedl syndrome 1; plus strand), ZDHHC24 (zDHHC palmitoyltransferase 24; minus strand). Cytogenetic location: 11q13.2.
Variant type: single nucleotide variant.
Coding change: c.1244T>G on transcript NM_024649.5 (MANE Select); coding-DNA position 1244, T replaced by G.
Protein change: p.Val415Gly; replaces valine 415 with glycine.
Molecular consequence: missense variant. On other transcripts: intron variant (1).
Genome position (GRCh38, 1-based): chr11:66,526,712, T>G. VCF-style: chr11-66526712-T-G. GRCh37 (hg19) VCF-style: chr11-66294183-T-G.
Other names: c.*21+224A>C (NM_001348571.2); short protein forms V415G.
Identifiers: ClinVar variation 2140380 (VCV002140380.7), dbSNP rs777838678, ClinGen allele CA6123683.

ClinVar aggregate classification (germline): Uncertain significance. Review status: criteria provided, multiple submitters, no conflicts (2 of 4 stars). 6 submissions from 6 submitters: Uncertain significance (6). Last evaluated 2026-03-30.

Conditions:
BBS1-related ciliopathy. Identifiers: MedGen CN378629, MONDO:1040043.
Inborn genetic diseases. Identifiers: MedGen C0950123, MeSH D030342.
Bardet-Biedl syndrome (BBS). Identifiers: Orphanet 110, MedGen C0752166, MONDO:0015229.
Bardet-Biedl syndrome 1 (BBS1). Identifiers: MedGen C2936862, MONDO:0008854, OMIM 209900. Disease mechanism: loss of function.
BBS1-related disorder. Also called: BBS1-related condition.

Allele frequency attached by ClinVar (database versions not stated): ExAC 0.00002; gnomAD exomes 0.00003; TOPMed 0.00001.
gnomAD v4.1: 49 of 1,614,004 alleles (0.003%); highest among the groups gnomAD compares: Middle Eastern, 0.033%; no homozygotes.

Submissions (6):

PreventionGenetics, part of Exact Sciences
Classification: Uncertain significance for BBS1-related condition. Last evaluated: 2026-03-30. Review status: criteria provided, single submitter. Criteria: ACMG Guidelines, 2015. Collection method: clinical testing. Allele origin: germline.
Comment: The BBS1 c.1244T>G variant is predicted to result in the amino acid substitution p.Val415Gly. To our knowledge, this variant has not been reported in the literature. This variant is reported in 0.016% of alleles in individuals of South Asian descent in gnomAD. At this time, the clinical significance of this variant is uncertain due to the absence of conclusive functional and genetic evidence.

Ambry Genetics
Classification: Uncertain significance for Inborn genetic diseases. Last evaluated: 2025-10-21. Review status: criteria provided, single submitter. Criteria: Ambry Variant Classification Scheme 2023. Collection method: clinical testing. Allele origin: germline.

Blueprint Genetics
Classification: Uncertain significance. Last evaluated: 2024-10-18. Review status: criteria provided, single submitter. Criteria: ACMG Guidelines, 2015. Collection method: clinical testing. Allele origin: germline.

Fulgent Genetics
Classification: Uncertain significance for Bardet-Biedl syndrome 1. Last evaluated: 2024-03-22. Review status: criteria provided, single submitter. Criteria: ACMG Guidelines, 2015. Collection method: clinical testing. Allele origin: germline.

Labcorp Genetics (formerly Invitae), Labcorp
Classification: Uncertain significance for Bardet-Biedl syndrome. Last evaluated: 2021-12-20. Review status: criteria provided, single submitter. Criteria: Invitae Variant Classification Sherloc (09022015). Collection method: clinical testing. Allele origin: germline.
Comment: This sequence change replaces valine, which is neutral and non-polar, with glycine, which is neutral and non-polar, at codon 415 of the BBS1 protein (p.Val415Gly). This variant is present in population databases (rs777838678, gnomAD 0.02%). This variant has not been reported in the literature in individuals affected with BBS1-related conditions. Algorithms developed to predict the effect of missense changes on protein structure and function (SIFT, PolyPhen-2, Align-GVGD) all suggest that this variant is likely to be tolerated. In summary, the available evidence is currently insufficient to determine the role of this variant in disease. Therefore, it has been classified as a Variant of Uncertain Significance.

Department of Pathology and Laboratory Medicine, Sinai Health System
Classification: Uncertain significance for BBS1-related ciliopathy. Last evaluated: 2020-07-20. Review status: criteria provided, single submitter. Criteria: ACMG Guidelines, 2015. Collection method: research. Allele origin: germline.